The following is an entry in ClinVar:

NM_001372.4(DNAH9):c.929A>G (p.His310Arg)

Gene: DNAH9 (dynein axonemal heavy chain 9; plus strand). Cytogenetic location: 17p12.
Variant type: single nucleotide variant.
Coding change: c.929A>G on transcript NM_001372.4 (MANE Select); coding-DNA position 929, A replaced by G.
Protein change: p.His310Arg; replaces histidine 310 with arginine.
Molecular consequence: missense variant.
Genome position (GRCh38, 1-based): chr17:11,617,435, A>G. VCF-style: chr17-11617435-A-G. GRCh37 (hg19) VCF-style: chr17-11520752-A-G.
Other names: c.929A>G (NM_001372.3); short protein forms H310R.
Identifiers: ClinVar variation 1922994 (VCV001922994.6), dbSNP rs61736722, ClinGen allele CA8394711.

ClinVar aggregate classification (germline): Uncertain significance. Review status: criteria provided, multiple submitters, no conflicts (2 of 4 stars). 2 submissions from 2 submitters: Uncertain significance (2). Last evaluated 2024-12-16.

Conditions:
Inborn genetic diseases. Identifiers: MedGen C0950123, MeSH D030342.

Allele frequency attached by ClinVar (database versions not stated): gnomAD 0.00006; TOPMed 0.00008; 1000 Genomes Project 30x 0.00016; 1000 Genomes Project 0.00020.
gnomAD v4.1: 43 of 1,613,532 alleles (0.0027%); highest among the groups gnomAD compares: African/African-American, 0.024%; no homozygotes.

Submissions (2):

Ambry Genetics
Classification: Uncertain significance for Inborn genetic diseases. Last evaluated: 2024-12-16. Review status: criteria provided, single submitter. Criteria: Ambry Variant Classification Scheme 2023. Collection method: clinical testing. Allele origin: germline.

Labcorp Genetics (formerly Invitae), Labcorp
Classification: Uncertain significance. Last evaluated: 2024-10-16. Review status: criteria provided, single submitter. Criteria: Invitae Variant Classification Sherloc (09022015). Collection method: clinical testing. Allele origin: germline.
Comment: This sequence change replaces histidine, which is basic and polar, with arginine, which is basic and polar, at codon 310 of the DNAH9 protein (p.His310Arg). This variant is present in population databases (rs61736722, gnomAD 0.03%). This variant has not been reported in the literature in individuals affected with DNAH9-related conditions. ClinVar contains an entry for this variant (Variation ID: 1922994). An algorithm developed to predict the effect of missense changes on protein structure and function outputs the following: PolyPhen-2: "Benign". The arginine amino acid residue is found in multiple mammalian species, which suggests that this missense change does not adversely affect protein function. In summary, the available evidence is currently insufficient to determine the role of this variant in disease. Therefore, it has been classified as a Variant of Uncertain Significance.